The following is an entry in ClinVar:

NM_002528.7(NTHL1):c.275G>A (p.Arg92His)

Genes: NTHL1 (nth like DNA glycosylase 1; minus strand), TSC2 (TSC complex subunit 2; plus strand). Cytogenetic location: 16p13.3.
Variant type: single nucleotide variant.
Coding change: c.275G>A on transcript NM_002528.7 (MANE Select); coding-DNA position 275, G replaced by A.
Protein change: p.Arg92His; replaces arginine 92 with histidine.
Molecular consequence: missense variant. On other transcripts: intron variant (1).
Genome position (GRCh38, 1-based): chr16:2,046,207, C>T on the plus strand (G>A on the coding strand, the complement: NTHL1 is on the minus strand). VCF-style: chr16-2046207-C-T. GRCh37 (hg19) VCF-style: chr16-2096208-C-T.
Other names: c.-1888C>T (NM_000548.5); c.275G>A, p.Arg92His (NM_001318193.2); c.24+73G>A (NM_001318194.2); short protein forms R92H.
Identifiers: ClinVar variation 647900 (VCV000647900.30), dbSNP rs145644817, ClinGen allele CA7828331.

ClinVar aggregate classification (germline): Uncertain significance. Review status: criteria provided, multiple submitters, no conflicts (2 of 4 stars). 8 submissions from 8 submitters: Uncertain significance (8). Last evaluated 2026-04-27.

Conditions:
Familial adenomatous polyposis 3. Also called: NTHL1 Tumor Syndrome; NTHL1-related attenuated familial adenomatous polyposis; NTHL1-associated polyposis; NTHL1-Related Adenomatous Polyposis and Colorectal Cancer. Identifiers: Orphanet 220460, Orphanet 454840, MedGen C4225157, MONDO:0014630, OMIM 616415.
Hereditary cancer-predisposing syndrome. Also called: Neoplastic Syndromes, Hereditary; Tumor predisposition; Hereditary neoplastic syndrome; Hereditary Cancer Syndrome. Identifiers: Orphanet 140162, MedGen C0027672, MeSH D009386, MONDO:0015356.
NTHL1-related disorder. Also called: NTHL1-related conditions; NTHL1-related condition.
Lymphangiomyomatosis (LAM). Also called: Lymphangioleiomyomatosis; Lymphangioleiomyomatosis, somatic. Identifiers: Orphanet 538, MedGen C0751674, MONDO:0011705, OMIM 606690.
Isolated focal cortical dysplasia type II (FCORD2). Also called: CORTICAL DYSPLASIA OF TAYLOR; Focal cortical dysplasia type II. Identifiers: Orphanet 268994, MedGen C1846385, MONDO:0011818, OMIM 607341, HP:0032051.
Tuberous sclerosis 2 (TSC2). Identifiers: Orphanet 805, MedGen C1860707, MONDO:0013199, OMIM 613254.

Allele frequency attached by ClinVar (database versions not stated): gnomAD exomes 0.00002 and 0.00004; ExAC 0.00007; gnomAD 0.00015 and 0.00017; TOPMed 0.00023; ESP Exome Variant Server 0.00031.
gnomAD v4.1: 52 of 1,613,112 alleles (0.0032%); highest among the groups gnomAD compares: African/African-American, 0.043%; no homozygotes.

Submissions (8):

PreventionGenetics, part of Exact Sciences
Classification: Uncertain significance for NTHL1-related condition. Last evaluated: 2026-04-27. Review status: criteria provided, single submitter. Criteria: ACMG Guidelines, 2015. Collection method: clinical testing. Allele origin: germline.
Comment: The NTHL1 c.299G>A variant is predicted to result in the amino acid substitution p.Arg100His. To our knowledge, this variant has not been reported in the literature. This variant is reported in 0.052% of alleles in individuals of African descent in gnomAD and is interpreted as uncertain in ClinVar (Variation ID: 647900﻿). At this time, the clinical significance of this variant is uncertain due to the absence of conclusive functional and genetic evidence.

Labcorp Genetics (formerly Invitae), Labcorp
Classification: Uncertain significance. Last evaluated: 2026-01-26. Review status: criteria provided, single submitter. Criteria: Invitae Variant Classification Sherloc (09022015). Collection method: clinical testing. Allele origin: germline.
Comment: This sequence change replaces arginine, which is basic and polar, with histidine, which is basic and polar, at codon 100 of the NTHL1 protein (p.Arg100His). This variant is present in population databases (rs145644817, gnomAD 0.05%). This variant has not been reported in the literature in individuals affected with NTHL1-related conditions. ClinVar contains an entry for this variant (Variation ID: 647900). An algorithm developed to predict the effect of missense changes on protein structure and function (PolyPhen-2) suggests that this variant is likely to be tolerated. In summary, the available evidence is currently insufficient to determine the role of this variant in disease. Therefore, it has been classified as a Variant of Uncertain Significance.

Quest Diagnostics Nichols Institute San Juan Capistrano
Classification: Uncertain significance. Last evaluated: 2025-08-14. Review status: criteria provided, single submitter. Criteria: Quest Diagnostics criteria. Collection method: clinical testing. Allele origin: unknown.
Comment: The NTHL1 c.299G>A (p.Arg100His) variant has not been reported in individuals with NTHL1-related conditions in the published literature. The frequency of this variant in the general population (Genome Aggregation Database) is uninformative in the assessment of its pathogenicity. Analysis of this variant using bioinformatics tools for the prediction of the effect of amino acid changes on protein structure and function yielded conflicting predictions that this variant is deleterious or benign. Based on the available information, we are unable to determine the clinical significance of this variant.

Center for Genomic Medicine, Rigshospitalet, Copenhagen University Hospital
Classification: Uncertain significance. Last evaluated: 2025-03-04. Review status: criteria provided, single submitter. Criteria: ACMG Guidelines, 2015. Collection method: clinical testing. Allele origin: germline.

GeneDx
Classification: Uncertain significance. Last evaluated: 2025-02-25. Review status: criteria provided, single submitter. Criteria: GeneDx Variant Classification Process June 2021. Collection method: clinical testing. Allele origin: germline. Affected: yes.
Comment: In silico analysis supports that this missense variant has a deleterious effect on protein structure/function; Has not been previously published as pathogenic or benign to our knowledge

Ambry Genetics
Classification: Uncertain significance for Hereditary cancer-predisposing syndrome. Last evaluated: 2024-09-26. Review status: criteria provided, single submitter. Criteria: Ambry Variant Classification Scheme 2023. Collection method: clinical testing. Allele origin: germline.
Comment: The p.R100H variant (also known as c.299G>A), located in coding exon 2 of the NTHL1 gene, results from a G to A substitution at nucleotide position 299. The arginine at codon 100 is replaced by histidine, an amino acid with highly similar properties. This amino acid position is highly conserved in available vertebrate species. In addition, this alteration is predicted to be deleterious by in silico analysis. Based on the available evidence, the clinical significance of this variant remains unclear.

Baylor Genetics
Classification: Uncertain significance for Familial adenomatous polyposis 3. Last evaluated: 2024-03-04. Review status: criteria provided, single submitter. Criteria: ACMG Guidelines, 2015. Collection method: clinical testing. Allele origin: unknown.

Fulgent Genetics
Classification: Uncertain significance for Lymphangiomyomatosis; Isolated focal cortical dysplasia type II; Tuberous sclerosis 2. Last evaluated: 2022-01-25. Review status: criteria provided, single submitter. Criteria: ACMG Guidelines, 2015. Collection method: clinical testing. Allele origin: unknown.